The following is an entry in ClinVar:

NM_013339.4(ALG6):c.681-5T>C

Gene: ALG6 (ALG6 alpha-1,3-glucosyltransferase; plus strand). Cytogenetic location: 1p31.3.
Variant type: single nucleotide variant.
Coding change: c.681-5T>C on transcript NM_013339.4 (MANE Select); 5 bases into the intron before coding-DNA position 681, T replaced by C.
Molecular consequence: intron variant.
Genome position (GRCh38, 1-based): chr1:63,411,921, T>C. VCF-style: chr1-63411921-T-C. GRCh37 (hg19) VCF-style: chr1-63877592-T-C.
Identifiers: ClinVar variation 1363151 (VCV001363151.4), dbSNP rs778405436, ClinGen allele CA888232.

ClinVar aggregate classification (germline): Uncertain significance. Review status: criteria provided, multiple submitters, no conflicts (2 of 4 stars). 2 submissions from 2 submitters: Uncertain significance (2). Last evaluated 2022-08-09.

Conditions:
ALG6-congenital disorder of glycosylation 1C (CDG1C). Also called: CDG Ic; Congenital disorder of glycosylation, type Ic; CARBOHYDRATE-DEFICIENT GLYCOPROTEIN SYNDROME, TYPE I, WITH DEFICIENT GLYCOSYLATION OF DOLICHOL-LINKED OLIGOSACCHARIDE; CARBOHYDRATE-DEFICIENT GLYCOPROTEIN SYNDROME, TYPE V; Congenital disorder of glycosylation type 1C. Identifiers: Orphanet 79320, MedGen C2930997, MONDO:0011291, OMIM 603147.

Allele frequency attached by ClinVar (database versions not stated): ExAC 0.00002; gnomAD 0.00002.
gnomAD v4.1: 8 of 1,613,958 alleles (0.0005%); highest among the groups gnomAD compares: African/African-American, 0.0053%; no homozygotes.

Submissions (2):

Labcorp Genetics (formerly Invitae), Labcorp
Classification: Uncertain significance for ALG6-congenital disorder of glycosylation 1C. Last evaluated: 2022-08-09. Review status: criteria provided, single submitter. Criteria: Invitae Variant Classification Sherloc (09022015). Collection method: clinical testing. Allele origin: germline.
Comment: This sequence change falls in intron 8 of the ALG6 gene. It does not directly change the encoded amino acid sequence of the ALG6 protein. This variant is present in population databases (rs778405436, gnomAD 0.009%). This variant has not been reported in the literature in individuals affected with ALG6-related conditions. ClinVar contains an entry for this variant (Variation ID: 1363151). Algorithms developed to predict the effect of sequence changes on RNA splicing suggest that this variant may disrupt the consensus splice site. In summary, the available evidence is currently insufficient to determine the role of this variant in disease. Therefore, it has been classified as a Variant of Uncertain Significance.

Fulgent Genetics
Classification: Uncertain significance for ALG6-congenital disorder of glycosylation 1C. Last evaluated: 2021-07-06. Review status: criteria provided, single submitter. Criteria: ACMG Guidelines, 2015. Collection method: clinical testing. Allele origin: unknown.